The following is an entry in ClinVar:

NM_000487.6(ARSA):c.506C>G (p.Pro169Arg)

Gene: ARSA (arylsulfatase A; minus strand). Cytogenetic location: 22q13.33.
Variant type: single nucleotide variant.
Coding change: c.506C>G on transcript NM_000487.6 (MANE Select); coding-DNA position 506, C replaced by G.
Protein change: p.Pro169Arg; replaces proline 169 with arginine.
Molecular consequence: missense variant.
Genome position (GRCh38, 1-based): chr22:50,627,012, G>C on the plus strand (C>G on the coding strand, the complement: ARSA is on the minus strand). VCF-style: chr22-50627012-G-C. GRCh37 (hg19) VCF-style: chr22-51065440-G-C.
Other names: ARSA, PRO167ARG; c.506C>G, p.Pro169Arg (NM_001085425.3, NM_001085426.3, NM_001085427.3); c.248C>G, p.Pro83Arg (NM_001085428.3, NM_001362782.2); short protein forms P169R, P83R.
Identifiers: ClinVar variation 3068 (VCV000003068.2), dbSNP rs74315465, ClinGen allele CA278028.

ClinVar aggregate classification (germline): Uncertain significance. Review status: criteria provided, single submitter (1 of 4 stars). 2 submissions from 2 submitters: Uncertain significance (1). 1 of the submissions does not count toward it. Last evaluated 2025-03-20.

Conditions:
Metachromatic leukodystrophy (MLD). Also called: ARSA DEFICIENCY; CEREBROSIDE SULFATASE DEFICIENCY; METACHROMATIC LEUKOENCEPHALOPATHY; Arylsulfatase A Deficiency; SULFATIDE LIPIDOSIS; Cerebral sclerosis diffuse metachromatic form. Identifiers: Orphanet 512, MedGen C0023522, MONDO:0018868, OMIM 250100.

Submissions (2):

Institute of Human Genetics, University of Leipzig Medical Center
Classification: Uncertain significance for Metachromatic leukodystrophy. Last evaluated: 2025-03-20. Review status: criteria provided, single submitter. Criteria: ACMG Guidelines, 2015. Collection method: clinical testing. Allele origin: unknown. Inheritance: Autosomal recessive inheritance. Affected: yes.
Comment: Criteria applied: PM2,PM3,PP4

OMIM
Classification: Pathogenic for METACHROMATIC LEUKODYSTROPHY. Last evaluated: 1994-01-01. Review status: no assertion criteria provided. Collection method: literature only. Allele origin: germline. Not counted in ClinVar's aggregate classification.

Literature cited by the submitters: PubMed 7981715 (cited by OMIM).